The following is an entry in ClinVar:

ClinVar aggregate classification (germline): Uncertain significance (1 of 4 stars; one submission).

Allele frequency attached by ClinVar (database versions not stated): TOPMed below 0.00001.
gnomAD v4.1: 7 of 1,510,214 alleles (0.00046%); highest among the groups gnomAD compares: Admixed American, 0.012%; no homozygotes.

Submission:

Labcorp Genetics (formerly Invitae), Labcorp
Classification: Uncertain significance. Last evaluated: 2022-06-08. Review status: criteria provided, single submitter. Criteria: Invitae Variant Classification Sherloc (09022015). Collection method: clinical testing. Allele origin: germline.
Comment: This variant is present in population databases (no rsID available, gnomAD 0.02%). In summary, the available evidence is currently insufficient to determine the role of this variant in disease. Therefore, it has been classified as a Variant of Uncertain Significance. Algorithms developed to predict the effect of missense changes on protein structure and function are either unavailable or do not agree on the potential impact of this missense change (SIFT: "Deleterious"; PolyPhen-2: "Benign"; Align-GVGD: "Class C0"). This variant has not been reported in the literature in individuals affected with APC2-related conditions. This sequence change replaces glycine, which is neutral and non-polar, with valine, which is neutral and non-polar, at codon 1420 of the APC2 protein (p.Gly1420Val).

NM_005883.3(APC2):c.4259G>T (p.Gly1420Val)

Gene: APC2 (APC regulator of WNT signaling pathway 2; plus strand). Cytogenetic location: 19p13.3.
Variant type: single nucleotide variant.
Coding change: c.4259G>T on transcript NM_005883.3 (MANE Select); coding-DNA position 4259, G replaced by T.
Protein change: p.Gly1420Val; replaces glycine 1420 with valine.
Molecular consequence: missense variant.
Genome position (GRCh38, 1-based): chr19:1,467,560, G>T. VCF-style: chr19-1467560-G-T. GRCh37 (hg19) VCF-style: chr19-1467559-G-T.
Other names: c.4256G>T, p.Gly1419Val (NM_001351273.1); short protein forms G1419V, G1420V.
Identifiers: ClinVar variation 1971373 (VCV001971373.4), dbSNP rs1471911525, ClinGen allele CA403035112.